The following is an entry in ClinVar:

ClinVar aggregate classification (germline): Likely benign (1 of 4 stars; one submission).

Allele frequency attached by ClinVar (database versions not stated): 1000 Genomes Project 30x 0.00500; gnomAD exomes 0.00024; ExAC 0.00049; TOPMed 0.00247; 1000 Genomes Project 0.00459.
gnomAD v4.1: 645 of 1,289,696 alleles (0.05%); highest among the groups gnomAD compares: African/African-American, 0.8%; 2 homozygotes.

Submission:

CeGaT Center for Human Genetics Tuebingen
Classification: Likely benign. Last evaluated: 2024-02-01. Review status: criteria provided, single submitter. Criteria: CeGaT Center For Human Genetics Tuebingen Variant Classification Criteria Version 2. Collection method: clinical testing. Allele origin: germline. Affected: yes. Observed: 1 variant allele.
Comment: ANK2: BP4, BS1

NM_001148.6(ANK2):c.85-28513C>T

Gene: ANK2 (ankyrin 2; plus strand). Cytogenetic location: 4q25.
Variant type: single nucleotide variant.
Coding change: c.85-28513C>T on transcript NM_001148.6 (MANE Select); 28513 bases into the intron before coding-DNA position 85, C replaced by T.
Molecular consequence: intron variant. On other transcripts: missense variant (2).
Genome position (GRCh38, 1-based): chr4:113,145,903, C>T. VCF-style: chr4-113145903-C-T. GRCh37 (hg19) VCF-style: chr4-114067059-C-T.
Other names: c.129+28485C>T (NM_001354242.2, NM_001386144.1, NM_001354240.2 and 4 more transcripts); c.85-28513C>T (NM_001354265.2, NM_001354236.2, NM_001354232.2 and 9 more transcripts); c.22-28513C>T (NM_001386156.1, NM_001354264.2, NM_001354267.2 and 33 more transcripts); c.85-5177C>T (NM_001354241.2); c.35C>T, p.Ala12Val (NM_001386174.1, NM_001386175.1); c.73-28513C>T (NM_001386186.2, NM_001386148.2, NM_001354269.3 and 1 more transcripts); c.22-5177C>T (NM_001386147.1, NM_001386160.1, NM_001354261.2); short protein forms A12V.
Identifiers: ClinVar variation 3025202 (VCV003025202.22), dbSNP rs75050054, ClinGen allele CA3049890.